The following is an entry in ClinVar:

ClinVar aggregate classification (germline): Pathogenic (1 of 4 stars; one submission).

Conditions:
Bloom syndrome (BLM). Also called: Bloom-Torre-Machacek syndrome. Identifiers: Orphanet 125, MedGen C0005859, MONDO:0008876, OMIM 210900.

Allele frequency attached by ClinVar (database versions not stated): gnomAD exomes below 0.00001; ExAC 0.00001.
gnomAD v4.1: 2 of 1,613,010 alleles (0.00012%); highest among the groups gnomAD compares: South Asian, 0.0022%; no homozygotes.

Submission:

Dept. of Cytogenetics, ICMR- National Institute of Immunohaematology
Classification: Pathogenic for Bloom syndrome. Last evaluated: 2024-05-08. Review status: criteria provided, single submitter. Criteria: ACMG Guidelines, 2015. Collection method: clinical testing. Allele origin: biparental. Affected: yes. Observed: 2 variant alleles.
Comment: Splicing variant, causing Bloom syndrome phenotype

NM_000057.4(BLM):c.3559-3A>G

Gene: BLM (BLM RecQ like helicase; plus strand). Cytogenetic location: 15q26.1.
Variant type: single nucleotide variant.
Coding change: c.3559-3A>G on transcript NM_000057.4 (MANE Select); 3 bases into the intron before coding-DNA position 3559, A replaced by G.
Molecular consequence: intron variant.
Genome position (GRCh38, 1-based): chr15:90,804,164, A>G. VCF-style: chr15-90804164-A-G. GRCh37 (hg19) VCF-style: chr15-91347394-A-G.
Other names: c.3559-3A>G (NM_001287246.2); c.2434-3A>G (NM_001287248.2); c.3359-4973A>G (NM_001287247.2).
Identifiers: ClinVar variation 3236168 (VCV003236168.2), dbSNP rs766474320, ClinGen allele CA7739079.